The following is an entry in ClinVar:

ClinVar aggregate classification (germline): Uncertain significance (1 of 4 stars; one submission).

Submission:

Ambry Genetics
Classification: Uncertain significance. Last evaluated: 2022-03-13. Review status: criteria provided, single submitter. Criteria: Ambry Variant Classification Scheme 2023. Collection method: clinical testing. Allele origin: germline.
Comment: The p.E775G variant (also known as c.2324A>G), located in coding exon 21 of the PRKDC gene, results from an A to G substitution at nucleotide position 2324. The glutamic acid at codon 775 is replaced by glycine, an amino acid with similar properties. This amino acid position is conserved. In addition, this alteration is predicted to be tolerated by in silico analysis. Since supporting evidence is limited at this time, the clinical significance of this alteration remains unclear.

NM_006904.7(PRKDC):c.2324A>G (p.Glu775Gly)

Gene: PRKDC (protein kinase, DNA-activated, catalytic subunit; minus strand). Cytogenetic location: 8q11.21.
Variant type: single nucleotide variant.
Coding change: c.2324A>G on transcript NM_006904.7 (MANE Select); coding-DNA position 2324, A replaced by G.
Protein change: p.Glu775Gly; replaces glutamic acid 775 with glycine.
Molecular consequence: missense variant.
Genome position (GRCh38, 1-based): chr8:47,927,289, T>C on the plus strand (A>G on the coding strand, the complement: PRKDC is on the minus strand). VCF-style: chr8-47927289-T-C. GRCh37 (hg19) VCF-style: chr8-48839849-T-C.
Other names: c.2324A>G, p.Glu775Gly (NM_001081640.2); short protein forms E775G.
Identifiers: ClinVar variation 1789620 (VCV001789620.2), dbSNP rs2551878142, ClinGen allele CA371161918.